The following is an entry in ClinVar:

NM_022552.5(DNMT3A):c.287G>A (p.Arg96Gln)

Gene: DNMT3A (DNA methyltransferase 3 alpha; minus strand). Cytogenetic location: 2p23.3.
Variant type: single nucleotide variant.
Coding change: c.287G>A on transcript NM_022552.5 (MANE Select); coding-DNA position 287, G replaced by A.
Protein change: p.Arg96Gln; replaces arginine 96 with glutamine.
Molecular consequence: missense variant. On other transcripts: non-coding transcript variant (1).
Genome position (GRCh38, 1-based): chr2:25,282,602, C>T on the plus strand (G>A on the coding strand, the complement: DNMT3A is on the minus strand). VCF-style: chr2-25282602-C-T. GRCh37 (hg19) VCF-style: chr2-25505471-C-T.
Other names: c.287G>A, p.Arg96Gln (NM_001320892.2, NM_175629.2, NM_175630.1); short protein forms R96Q.
Identifiers: ClinVar variation 1480669 (VCV001480669.12), dbSNP rs771499883, ClinGen allele CA1556496.

ClinVar aggregate classification (germline): Conflicting classifications of pathogenicity. Review status: criteria provided, conflicting classifications (1 of 4 stars). 4 submissions from 4 submitters: Uncertain significance (3); Likely benign (1). Last evaluated 2026-02-02.

Conditions:
Heyn-Sproul-Jackson syndrome. Also called: MICROCEPHALY, SHORT STATURE, AND IMPAIRED INTELLECTUAL DEVELOPMENT. Identifiers: Orphanet 658595, MedGen C5231475, MONDO:0032882, OMIM 618724.
Acute myeloid leukemia (AML). Also called: Leukemia, acute myeloid, somatic; Leukemia, acute myelogenous, somatic; Acute myeloid leukemia, adult; AML adult; Acute non-lymphocytic leukemia; Acute granulocytic leukemia. Identifiers: Orphanet 519, MedGen C0023467, MeSH D015470, MONDO:0018874, OMIM 601626, HP:0004808. Disease mechanism: Constitutively activated FLT3.
Tatton-Brown-Rahman overgrowth syndrome. Also called: Tatton-Brown-Rahman syndrome; Tall stature-intellectual disability-facial dysmorphism syndrome. Identifiers: Orphanet 404443, MedGen C4014545, MONDO:0014382, OMIM 615879.
DNMT3A-related disorder. Also called: DNMT3A-related disorders; DNMT3A-related condition.

Allele frequency attached by ClinVar (database versions not stated): ExAC 0.00003; TOPMed 0.00003; gnomAD exomes 0.00005 and 0.00006; gnomAD 0.00006.
gnomAD v4.1: 83 of 1,613,558 alleles (0.0051%); highest among the groups gnomAD compares: South Asian, 0.011%; no homozygotes.

Submissions (4):

Dasa
Classification: Uncertain significance for Heyn-Sproul-Jackson syndrome. Last evaluated: 2026-02-02. Review status: criteria provided, single submitter. Criteria: DASA Assertion Criteria. Collection method: clinical testing. Allele origin: germline.
Comment: NM_022552.5(DNMT3A):c.287G>A (p.Arg96Gln) is a missense variant that results in the substitution of arginine with glutamine. This variant is rare in population databases. The currently available literature and clinical evidence are not sufficient to establish a definitive association between this variant and the reported condition. Therefore, this variant is classified as a variant of uncertain significance.

PreventionGenetics, part of Exact Sciences
Classification: Likely benign for DNMT3A-related condition. Last evaluated: 2025-11-10. Review status: criteria provided, single submitter. Criteria: ACMG Guidelines, 2015. Collection method: clinical testing. Allele origin: germline.
Comment: This variant is classified as likely benign based on ACMG/AMP sequence variant interpretation guidelines (Richards et al. 2015 PMID: 25741868, with internal and published modifications).

Labcorp Genetics (formerly Invitae), Labcorp
Classification: Uncertain significance for Tatton-Brown-Rahman overgrowth syndrome. Last evaluated: 2025-11-05. Review status: criteria provided, single submitter. Criteria: Invitae Variant Classification Sherloc (09022015). Collection method: clinical testing. Allele origin: germline.
Comment: This sequence change replaces arginine, which is basic and polar, with glutamine, which is neutral and polar, at codon 96 of the DNMT3A protein (p.Arg96Gln). This variant is present in population databases (rs771499883, gnomAD 0.01%). This variant has not been reported in the literature in individuals affected with DNMT3A-related conditions. ClinVar contains an entry for this variant (Variation ID: 1480669). Invitae Evidence Modeling of protein sequence and biophysical properties (such as structural, functional, and spatial information, amino acid conservation, physicochemical variation, residue mobility, and thermodynamic stability) indicates that this missense variant is not expected to disrupt DNMT3A protein function with a negative predictive value of 95%. In summary, the available evidence is currently insufficient to determine the role of this variant in disease. Therefore, it has been classified as a Variant of Uncertain Significance.

Fulgent Genetics
Classification: Uncertain significance for Acute myeloid leukemia; Tatton-Brown-Rahman overgrowth syndrome; Heyn-Sproul-Jackson syndrome. Last evaluated: 2024-01-03. Review status: criteria provided, single submitter. Criteria: ACMG Guidelines, 2015. Collection method: clinical testing. Allele origin: germline.